The following is an entry in ClinVar:

ClinVar aggregate classification (germline): Uncertain significance (1 of 4 stars; one submission).

Conditions:
Inborn genetic diseases. Identifiers: MedGen C0950123, MeSH D030342.

Submission:

Ambry Genetics
Classification: Uncertain significance for Inborn genetic diseases. Last evaluated: 2025-03-06. Review status: criteria provided, single submitter. Criteria: Ambry Variant Classification Scheme 2023. Collection method: clinical testing. Allele origin: germline.
Comment: The p.L721V variant (also known as c.2161C>G), located in coding exon 24 of the FANCA gene, results from a C to G substitution at nucleotide position 2161. The leucine at codon 721 is replaced by valine, an amino acid with highly similar properties. This amino acid position is conserved. In addition, the in silico prediction for this alteration is inconclusive. Based on the available evidence, the clinical significance of this variant remains unclear.

NM_000135.4(FANCA):c.2161C>G (p.Leu721Val)

Gene: FANCA (FA complementation group A; minus strand). Cytogenetic location: 16q24.3.
Variant type: single nucleotide variant.
Coding change: c.2161C>G on transcript NM_000135.4 (MANE Select); coding-DNA position 2161, C replaced by G.
Protein change: p.Leu721Val; replaces leucine 721 with valine.
Molecular consequence: missense variant.
Genome position (GRCh38, 1-based): chr16:89,770,625, G>C on the plus strand (C>G on the coding strand, the complement: FANCA is on the minus strand). VCF-style: chr16-89770625-G-C. GRCh37 (hg19) VCF-style: chr16-89837033-G-C.
Other names: c.2161C>G, p.Leu721Val (NM_001286167.3); short protein forms L721V.
Identifiers: ClinVar variation 3848293 (VCV003848293.1).
Genomic context (GRCh38, chr16:89,770,625, plus strand): 5'-TCTCCGGGGGAGCGACACTGGAGGCAGCCATCAGGTTCTGACAGAAAGACGTCAGCAGGA[G>C]GTCCACAGCCTGCAGAGACACAGTTCTCATGAGCGTGGTGTCCTGGGGACGGGAGCAGCA-3'
Protein context (NP_000126.2, residues 711-731): LEPREHMAVD[Leu721Val]LLTSFCQNLM